The following is an entry in ClinVar:

ClinVar aggregate classification (germline): Likely pathogenic (1 of 4 stars; one submission).

Submission:

Mayo Clinic Laboratories, Mayo Clinic
Classification: Likely pathogenic. Last evaluated: 2024-01-16. Review status: criteria provided, single submitter. Criteria: ACMG Guidelines, 2015. Collection method: clinical testing. Allele origin: germline. Observed: 2 variant alleles.
Comment: PM2, PVS1

NM_001009944.3(PKD1):c.1308T>A (p.Cys436Ter)

Gene: PKD1 (polycystin 1, transient receptor potential channel interacting; minus strand). Cytogenetic location: 16p13.3.
Variant type: single nucleotide variant.
Coding change: c.1308T>A on transcript NM_001009944.3 (MANE Select); coding-DNA position 1308, T replaced by A.
Protein change: p.Cys436Ter; replaces cysteine 436 with a stop codon.
Molecular consequence: nonsense.
Genome position (GRCh38, 1-based): chr16:2,117,566, A>T on the plus strand (T>A on the coding strand, the complement: PKD1 is on the minus strand). VCF-style: chr16-2117566-A-T. GRCh37 (hg19) VCF-style: chr16-2167567-A-T.
Other names: p.Cys436*; c.1308T>A, p.Cys436Ter (NM_000296.4); short protein forms C436*.
Identifiers: ClinVar variation 3381142 (VCV003381142.1).